The following is an entry in ClinVar:

ClinVar aggregate classification (germline): Uncertain significance. Review status: criteria provided, multiple submitters, no conflicts (2 of 4 stars). 2 submissions from 2 submitters: Uncertain significance (2). Last evaluated 2023-02-04.

Conditions:
Autosomal recessive limb-girdle muscular dystrophy type 2J (LGMDR10). Also called: Limb-girdle muscular dystrophy, type 2J; MUSCULAR DYSTROPHY, LIMB-GIRDLE, AUTOSOMAL RECESSIVE 10. Identifiers: Orphanet 140922, MedGen C1837342, MONDO:0012127, OMIM 608807.
Dilated cardiomyopathy 1G (CMD1G). Identifiers: Orphanet 154, MedGen C1858763, MONDO:0011400, OMIM 604145.

Submissions (2):

Labcorp Genetics (formerly Invitae), Labcorp
Classification: Uncertain significance for Dilated cardiomyopathy 1G; Autosomal recessive limb-girdle muscular dystrophy type 2J. Last evaluated: 2023-02-04. Review status: criteria provided, single submitter. Criteria: Invitae Variant Classification Sherloc (09022015). Collection method: clinical testing. Allele origin: germline.
Comment: This variant is located in the M band of TTN (PMID: 25589632). Variants in this region may be relevant for neuromuscular disorders, but have not been definitively shown to cause cardiomyopathy (PMID: 23975875). In summary, the available evidence is currently insufficient to determine the role of this variant in disease. Therefore, it has been classified as a Variant of Uncertain Significance. Algorithms developed to predict the effect of missense changes on protein structure and function output the following: SIFT: "Not Available"; PolyPhen-2: "Not Available"; Align-GVGD: "Not Available". The alanine amino acid residue is found in multiple mammalian species, which suggests that this missense change does not adversely affect protein function. This variant has not been reported in the literature in individuals affected with TTN-related conditions. This variant is not present in population databases (gnomAD no frequency). This sequence change replaces valine, which is neutral and non-polar, with alanine, which is neutral and non-polar, at codon 35536 of the TTN protein (p.Val35536Ala).

Revvity Omics, Revvity
Classification: Uncertain significance. Last evaluated: 2021-06-17. Review status: criteria provided, single submitter. Criteria: ACMG Guidelines, 2015. Collection method: clinical testing. Allele origin: germline.

Literature cited by the submitters: PubMed 25589632 (cited by Labcorp Genetics (formerly Invitae), Labcorp); PubMed 23975875 (cited by Labcorp Genetics (formerly Invitae), Labcorp).

NM_001267550.2(TTN):c.106607T>C (p.Val35536Ala)

Genes: TTN-AS1 (TTN antisense RNA 1; plus strand), TTN (titin; minus strand). Cytogenetic location: 2q31.2.
Variant type: single nucleotide variant.
Coding change: c.106607T>C on transcript NM_001267550.2 (MANE Select); coding-DNA position 106607, T replaced by C.
Protein change: p.Val35536Ala; replaces valine 35536 with alanine.
Molecular consequence: missense variant.
Genome position (GRCh38, 1-based): chr2:178,529,144, A>G on the plus strand (T>C on the coding strand, the complement: TTN is on the minus strand). VCF-style: chr2-178529144-A-G. GRCh37 (hg19) VCF-style: chr2-179393871-A-G.
Other names: c.101684T>C, p.Val33895Ala (NM_001256850.1); c.79412T>C, p.Val26471Ala (NM_003319.4); c.98903T>C, p.Val32968Ala (NM_133378.4); c.79787T>C, p.Val26596Ala (NM_133432.3); c.79988T>C, p.Val26663Ala (NM_133437.4); short protein forms V35536A, V32968A, V26471A, V26596A, V33895A, V26663A.
Identifiers: ClinVar variation 2093770 (VCV002093770.7), dbSNP rs1687854052, ClinGen allele CA349404129.
Genomic context (GRCh38, chr2:178,529,144, plus strand): 5'-TTTGCCTCTGACATCTTAATTTCTTCAGACCTTAGGGCTTTTTGGGAAATTTCCTCTTGG[A>G]CAACAGCTTTCTTCTGAGGTGTAATTTCAGAAGTCTTTTGTGTAGAGACTTTCTGTGCCT-3'
Protein context (NP_001254479.2, residues 35526-35546): SEITPQKKAV[Val35536Ala]QEEISQKALR